The following is an entry in ClinVar:

ClinVar aggregate classification (germline): Uncertain significance (1 of 4 stars; one submission).

Conditions:
Cyclical neutropenia. Also called: Cyclic hematopoiesis; Cyclic Neutropenia. Identifiers: Orphanet 2686, MedGen C0221023, MONDO:0008090, OMIM 162800, HP:0040289. Disease mechanism: loss of function.
Neutropenia, severe congenital, 1, autosomal dominant. Identifiers: MedGen C1859966, MONDO:0042490, OMIM 202700.

Submission:

Labcorp Genetics (formerly Invitae), Labcorp
Classification: Uncertain significance for Neutropenia, severe congenital, 1, autosomal dominant; Cyclical neutropenia. Last evaluated: 2022-09-23. Review status: criteria provided, single submitter. Criteria: Invitae Variant Classification Sherloc (09022015). Collection method: clinical testing. Allele origin: germline.
Comment: In summary, the available evidence is currently insufficient to determine the role of this variant in disease. Therefore, it has been classified as a Variant of Uncertain Significance. Advanced modeling of protein sequence and biophysical properties (such as structural, functional, and spatial information, amino acid conservation, physicochemical variation, residue mobility, and thermodynamic stability) performed at Invitae indicates that this missense variant is expected to disrupt ELANE protein function. This missense change has been observed in individual(s) with severe congenital neutropenia (PMID: 23463630, 25162927). This variant is not present in population databases (gnomAD no frequency). This sequence change replaces tryptophan, which is neutral and slightly polar, with arginine, which is basic and polar, at codon 156 of the ELANE protein (p.Trp156Arg).

Literature cited by the submitters: PubMed 23463630; PubMed 25162927.

NM_001972.4(ELANE):c.466T>A (p.Trp156Arg)

Gene: ELANE (elastase, neutrophil expressed; plus strand). Cytogenetic location: 19p13.3.
Variant type: single nucleotide variant.
Coding change: c.466T>A on transcript NM_001972.4 (MANE Select); coding-DNA position 466, T replaced by A.
Protein change: p.Trp156Arg; replaces tryptophan 156 with arginine.
Molecular consequence: missense variant.
Genome position (GRCh38, 1-based): chr19:855,663, T>A. VCF-style: chr19-855663-T-A. GRCh37 (hg19) VCF-style: chr19-855663-T-A.
Other names: short protein forms W156R.
Identifiers: ClinVar variation 2032010 (VCV002032010.4), dbSNP rs2512168335, ClinGen allele CA402918196.